The following is an entry in ClinVar:

ClinVar aggregate classification (germline): Conflicting classifications of pathogenicity. Review status: criteria provided, conflicting classifications (1 of 4 stars). 7 submissions from 7 submitters: Uncertain significance (5); Likely benign (1). 1 of the submissions does not count toward it. Last evaluated 2026-02-02.

Conditions:
RELN-related disorder. Also called: RELN-related condition.
Norman-Roberts syndrome (LIS2). Also called: Lissencephaly 2 (Norman-Roberts type). Identifiers: Orphanet 89844, MedGen C0796089, MONDO:0009760, OMIM 257320.
Familial temporal lobe epilepsy 7. Identifiers: Orphanet 101046, MedGen C4225327, MONDO:0014639, OMIM 616436.
Epilepsy, familial temporal lobe, 1. Identifiers: Orphanet 101046, MedGen CN030884, MONDO:0700090, OMIM 600512.
Inborn genetic diseases. Identifiers: MedGen C0950123, MeSH D030342.

Allele frequency attached by ClinVar (database versions not stated): ExAC 0.00017; gnomAD exomes 0.00019; TOPMed 0.00029; ESP Exome Variant Server 0.00046; gnomAD 0.00029 and 0.00031.
gnomAD v4.1: 578 of 1,613,770 alleles (0.036%); highest among the groups gnomAD compares: Non-Finnish European, 0.047%; no homozygotes.

Submissions (7):

Labcorp Genetics (formerly Invitae), Labcorp
Classification: Likely benign for Familial temporal lobe epilepsy 7; Norman-Roberts syndrome. Last evaluated: 2026-02-02. Review status: criteria provided, single submitter. Criteria: Invitae Variant Classification Sherloc (09022015). Collection method: clinical testing. Allele origin: germline.

GeneDx
Classification: Uncertain significance. Last evaluated: 2024-10-02. Review status: criteria provided, single submitter. Criteria: GeneDx Variant Classification Process June 2021. Collection method: clinical testing. Allele origin: germline. Affected: yes.
Comment: In silico analysis indicates that this missense variant does not alter protein structure/function; Has not been previously published as pathogenic or benign to our knowledge

Ambry Genetics
Classification: Uncertain significance for Inborn genetic diseases. Last evaluated: 2023-10-10. Review status: criteria provided, single submitter. Criteria: Ambry Variant Classification Scheme 2023. Collection method: clinical testing. Allele origin: germline.

Blueprint Genetics
Classification: Uncertain significance. Last evaluated: 2023-04-18. Review status: criteria provided, single submitter. Criteria: ACMG Guidelines, 2015. Collection method: clinical testing. Allele origin: germline.

Fulgent Genetics
Classification: Uncertain significance for Norman-Roberts syndrome; Epilepsy, familial temporal lobe, 1; Familial temporal lobe epilepsy 7. Last evaluated: 2021-10-21. Review status: criteria provided, single submitter. Criteria: ACMG Guidelines, 2015. Collection method: clinical testing. Allele origin: unknown.

Eurofins Ntd Llc (ga)
Classification: Uncertain significance. Last evaluated: 2013-08-14. Review status: criteria provided, single submitter. Criteria: EGL Classification Definitions 2015. Collection method: clinical testing. Allele origin: germline. Observed: 1 variant allele, 1 heterozygote.

PreventionGenetics, part of Exact Sciences
Classification: Uncertain significance for RELN-related condition. Last evaluated: 2023-12-15. Review status: no assertion criteria provided. Collection method: clinical testing. Allele origin: germline. Not counted in ClinVar's aggregate classification.
Comment: The RELN c.2446C>T variant is predicted to result in the amino acid substitution p.Leu816Phe. To our knowledge, this variant has not been reported in the literature. This variant is reported in 0.040% of alleles in individuals of European (Non-Finnish) descent in gnomAD. At this time, the clinical significance of this variant is uncertain due to the absence of conclusive functional and genetic evidence.

NM_005045.4(RELN):c.2446C>T (p.Leu816Phe)

Gene: RELN (reelin; minus strand). Cytogenetic location: 7q22.1.
Variant type: single nucleotide variant.
Coding change: c.2446C>T on transcript NM_005045.4 (MANE Select); coding-DNA position 2446, C replaced by T.
Protein change: p.Leu816Phe; replaces leucine 816 with phenylalanine.
Molecular consequence: missense variant.
Genome position (GRCh38, 1-based): chr7:103,635,444, G>A on the plus strand (C>T on the coding strand, the complement: RELN is on the minus strand). VCF-style: chr7-103635444-G-A. GRCh37 (hg19) VCF-style: chr7-103275891-G-A.
Other names: c.2446C>T, p.Leu816Phe (NM_173054.3); short protein forms L816F.
Identifiers: ClinVar variation 95216 (VCV000095216.19), dbSNP rs144653976, ClinGen allele CA222816.
Genomic context (GRCh38, chr7:103,635,444, plus strand): 5'-TTTCACTCTACAACCATTTTTCCAAATGCTTTCCAACATACCTGGGCTCATGATAGCTGA[G>A]ATATGAATAATGCTCCAGGAGTTTCCAAGTTATCCCATTATCATAAGAATAATGCAACAA-3'
Protein context (NP_005036.2, residues 806-826): TWKLLEHYSY[Leu816Phe]SYHEPRIISV